The following is an entry in ClinVar:

ClinVar aggregate classification (germline): Uncertain significance (1 of 4 stars; one submission).

Submission:

Labcorp Genetics (formerly Invitae), Labcorp
Classification: Uncertain significance. Last evaluated: 2024-06-01. Review status: criteria provided, single submitter. Criteria: Invitae Variant Classification Sherloc (09022015). Collection method: clinical testing. Allele origin: germline.
Comment: This sequence change replaces glutamic acid, which is acidic and polar, with aspartic acid, which is acidic and polar, at codon 107 of the TCIRG1 protein (p.Glu107Asp). This variant is not present in population databases (gnomAD no frequency). This variant has not been reported in the literature in individuals affected with TCIRG1-related conditions. Advanced modeling of protein sequence and biophysical properties (such as structural, functional, and spatial information, amino acid conservation, physicochemical variation, residue mobility, and thermodynamic stability) performed at Invitae indicates that this missense variant is not expected to disrupt TCIRG1 protein function with a negative predictive value of 80%. In summary, the available evidence is currently insufficient to determine the role of this variant in disease. Therefore, it has been classified as a Variant of Uncertain Significance.

NM_006019.4(TCIRG1):c.321G>T (p.Glu107Asp)

Gene: TCIRG1 (T cell immune regulator 1, ATPase H+ transporting V0 subunit a3; plus strand). Cytogenetic location: 11q13.2.
Variant type: single nucleotide variant.
Coding change: c.321G>T on transcript NM_006019.4 (MANE Select); coding-DNA position 321, G replaced by T.
Protein change: p.Glu107Asp; replaces glutamic acid 107 with aspartic acid.
Molecular consequence: missense variant. On other transcripts: 5 prime UTR variant (1).
Genome position (GRCh38, 1-based): chr11:68,042,767, G>T. VCF-style: chr11-68042767-G-T. GRCh37 (hg19) VCF-style: chr11-67810234-G-T.
Other names: c.-929G>T (NM_001351059.2); short protein forms E107D.
Identifiers: ClinVar variation 3618120 (VCV003618120.2).